The following is an entry in ClinVar:

NM_002292.4(LAMB2):c.2840A>T (p.Glu947Val)

Gene: LAMB2 (laminin subunit beta 2; minus strand). Cytogenetic location: 3p21.31.
Variant type: single nucleotide variant.
Coding change: c.2840A>T on transcript NM_002292.4 (MANE Select); coding-DNA position 2840, A replaced by T.
Protein change: p.Glu947Val; replaces glutamic acid 947 with valine.
Molecular consequence: missense variant.
Genome position (GRCh38, 1-based): chr3:49,125,050, T>A on the plus strand (A>T on the coding strand, the complement: LAMB2 is on the minus strand). VCF-style: chr3-49125050-T-A. GRCh37 (hg19) VCF-style: chr3-49162483-T-A.
Other names: c.2840A>T (NM_002292.3); short protein forms E947V.
Identifiers: ClinVar variation 1000358 (VCV001000358.7), dbSNP rs753039246, ClinGen allele CA2394196.

ClinVar aggregate classification (germline): Conflicting classifications of pathogenicity. Review status: criteria provided, conflicting classifications (1 of 4 stars). 3 submissions from 3 submitters: Uncertain significance (2); Likely benign (1). Last evaluated 2024-09-27.

Conditions:
Pierson syndrome. Also called: MICROCORIA-CONGENITAL NEPHROTIC SYNDROME. Identifiers: Orphanet 2670, MedGen C1836876, MONDO:0012184, OMIM 609049.
LAMB2-related infantile-onset nephrotic syndrome. Also called: NEPHROTIC SYNDROME, TYPE 5, WITHOUT OCULAR ABNORMALITIES; NEPHROTIC SYNDROME, TYPE 5, WITH OCULAR ABNORMALITIES; Nephrotic Syndrome, type 5. Identifiers: Orphanet 306507, MedGen C3280113, MONDO:0013621, OMIM 614199.
Inborn genetic diseases. Identifiers: MedGen C0950123, MeSH D030342.

Allele frequency attached by ClinVar (database versions not stated): ExAC 0.00001; gnomAD exomes 0.00001 and 0.00003; TOPMed 0.00001; gnomAD 0.00002.
gnomAD v4.1: 16 of 1,613,820 alleles (0.00099%); highest among the groups gnomAD compares: East Asian, 0.033%; no homozygotes.

Submissions (3):

Ambry Genetics
Classification: Likely benign for Inborn genetic diseases. Last evaluated: 2024-09-27. Review status: criteria provided, single submitter. Criteria: Ambry Variant Classification Scheme 2023. Collection method: clinical testing. Allele origin: germline.

Fulgent Genetics
Classification: Uncertain significance for Pierson syndrome; LAMB2-related infantile-onset nephrotic syndrome. Last evaluated: 2022-05-09. Review status: criteria provided, single submitter. Criteria: ACMG Guidelines, 2015. Collection method: clinical testing. Allele origin: unknown.

Labcorp Genetics (formerly Invitae), Labcorp
Classification: Uncertain significance for LAMB2-related infantile-onset nephrotic syndrome; Pierson syndrome. Last evaluated: 2022-02-11. Review status: criteria provided, single submitter. Criteria: Invitae Variant Classification Sherloc (09022015). Collection method: clinical testing. Allele origin: germline.
Comment: In summary, the available evidence is currently insufficient to determine the role of this variant in disease. Therefore, it has been classified as a Variant of Uncertain Significance. Algorithms developed to predict the effect of missense changes on protein structure and function (SIFT, PolyPhen-2, Align-GVGD) all suggest that this variant is likely to be tolerated. ClinVar contains an entry for this variant (Variation ID: 1000358). This variant has not been reported in the literature in individuals affected with LAMB2-related conditions. This variant is present in population databases (rs753039246, gnomAD 0.04%). This sequence change replaces glutamic acid, which is acidic and polar, with valine, which is neutral and non-polar, at codon 947 of the LAMB2 protein (p.Glu947Val).